The following is an entry in ClinVar:

NM_001127222.2(CACNA1A):c.3049G>C (p.Ala1017Pro)

Gene: CACNA1A (calcium voltage-gated channel subunit alpha1 A; minus strand). Cytogenetic location: 19p13.13.
Variant type: single nucleotide variant.
Coding change: c.3049G>C on transcript NM_001127222.2 (MANE Select); coding-DNA position 3049, G replaced by C.
Protein change: p.Ala1017Pro; replaces alanine 1017 with proline.
Molecular consequence: missense variant.
Genome position (GRCh38, 1-based): chr19:13,298,584, C>G on the plus strand (G>C on the coding strand, the complement: CACNA1A is on the minus strand). VCF-style: chr19-13298584-C-G. GRCh37 (hg19) VCF-style: chr19-13409398-C-G.
Other names: c.3061G>C, p.Ala1021Pro (NM_000068.4, NM_023035.3); c.3052G>C, p.Ala1018Pro (NM_001127221.2, NM_001174080.2); short protein forms A1018P, A1021P, A1017P.
Identifiers: ClinVar variation 429455 (VCV000429455.2), dbSNP rs1131691393, ClinGen allele CA404342179.

ClinVar aggregate classification (germline): Uncertain significance (1 of 4 stars; one submission).

Submission:

GeneDx
Classification: Uncertain significance. Last evaluated: 2017-05-02. Review status: criteria provided, single submitter. Criteria: GeneDx Variant Classification (06012015). Collection method: clinical testing. Allele origin: germline. Affected: yes.
Comment: A variant of uncertain significance has been identified in the CACNA1A gene. The A1018P variant has not been published as a pathogenic variant, nor has it been reported as a benign variant to our knowledge. The A1018P variant is not observed in large population cohorts (Lek et al., 2016; 1000 Genomes Consortium et al., 2015; Exome Variant Server). The A1018P variant is a semi-conservative amino acid substitution, which may impact secondary protein structure as these residues differ in some properties. However, this substitution occurs at a position that is not conserved, and in silico analysis predicts this variant likely does not alter the protein structure/function. Therefore, based on the currently available information, it is unclear whether this variant is a pathogenic variant or a rare benign variant.